The following is an entry in ClinVar:

ClinVar aggregate classification (germline): Uncertain significance (1 of 4 stars; one submission).

Conditions:
Inborn genetic diseases. Identifiers: MedGen C0950123, MeSH D030342.

gnomAD v4.1: 1 of 1,612,520 alleles (0.000062%); highest among the groups gnomAD compares: South Asian, 0.0011%; no homozygotes.

Submission:

Ambry Genetics
Classification: Uncertain significance for Inborn genetic diseases. Last evaluated: 2024-07-28. Review status: criteria provided, single submitter. Criteria: Ambry Variant Classification Scheme 2023. Collection method: clinical testing. Allele origin: germline.
Comment: The p.L613F variant (also known as c.1839G>C), located in coding exon 16 of the LRRK2 gene, results from a G to C substitution at nucleotide position 1839. The leucine at codon 613 is replaced by phenylalanine, an amino acid with highly similar properties. This amino acid position is conserved. In addition, this alteration is predicted to be deleterious by in silico analysis. Based on the available evidence, the clinical significance of this variant remains unclear.

NM_198578.4(LRRK2):c.1839G>C (p.Leu613Phe)

Gene: LRRK2 (leucine rich repeat kinase 2; plus strand). Cytogenetic location: 12q12.
Variant type: single nucleotide variant.
Coding change: c.1839G>C on transcript NM_198578.4 (MANE Select); coding-DNA position 1839, G replaced by C.
Protein change: p.Leu613Phe; replaces leucine 613 with phenylalanine.
Molecular consequence: missense variant.
Genome position (GRCh38, 1-based): chr12:40,274,891, G>C. VCF-style: chr12-40274891-G-C. GRCh37 (hg19) VCF-style: chr12-40668693-G-C.
Other names: short protein forms L613F.
Identifiers: ClinVar variation 3540594 (VCV003540594.1).
Genomic context (GRCh38, chr12:40,274,891, plus strand): 5'-ATTCTTTTTTTTTATTTTCCTAGAAATTCAGTGTCTGGGTTTAAGTCTTATAGGATACTT[G>C]ATTACAAAGAAGAATGTGTTCATAGGAACTGGACATCTGCTGGCAAAAATTCTGGTTTCC-3'
Protein context (NP_940980.4, residues 603-623): QCLGLSLIGY[Leu613Phe]ITKKNVFIGT